The following is an entry in ClinVar:

ClinVar aggregate classification (germline): Uncertain significance (1 of 4 stars; one submission).

Submission:

Labcorp Genetics (formerly Invitae), Labcorp
Classification: Uncertain significance. Last evaluated: 2024-06-25. Review status: criteria provided, single submitter. Criteria: Invitae Variant Classification Sherloc (09022015). Collection method: clinical testing. Allele origin: germline.
Comment: This sequence change replaces proline, which is neutral and non-polar, with leucine, which is neutral and non-polar, at codon 357 of the CEP89 protein (p.Pro357Leu). This variant is not present in population databases (gnomAD no frequency). This variant has not been reported in the literature in individuals affected with CEP89-related conditions. An algorithm developed to predict the effect of missense changes on protein structure and function (PolyPhen-2) suggests that this variant is likely to be tolerated. In summary, the available evidence is currently insufficient to determine the role of this variant in disease. Therefore, it has been classified as a Variant of Uncertain Significance.

NM_032816.5(CEP89):c.1070C>T (p.Pro357Leu)

Gene: CEP89 (centrosomal protein 89; minus strand). Cytogenetic location: 19q13.11.
Variant type: single nucleotide variant.
Coding change: c.1070C>T on transcript NM_032816.5 (MANE Select); coding-DNA position 1070, C replaced by T.
Protein change: p.Pro357Leu; replaces proline 357 with leucine.
Molecular consequence: missense variant.
Genome position (GRCh38, 1-based): chr19:32,926,944, G>A on the plus strand (C>T on the coding strand, the complement: CEP89 is on the minus strand). VCF-style: chr19-32926944-G-A. GRCh37 (hg19) VCF-style: chr19-33417850-G-A.
Other names: short protein forms P357L.
Identifiers: ClinVar variation 3657793 (VCV003657793.2).